The following is an entry in ClinVar:

NM_177402.5(SYT2):c.352G>A (p.Asp118Asn)

Gene: SYT2 (synaptotagmin 2; minus strand). Cytogenetic location: 1q32.1.
Variant type: single nucleotide variant.
Coding change: c.352G>A on transcript NM_177402.5 (MANE Select); coding-DNA position 352, G replaced by A.
Protein change: p.Asp118Asn; replaces aspartic acid 118 with asparagine.
Molecular consequence: missense variant.
Genome position (GRCh38, 1-based): chr1:202,603,112, C>T on the plus strand (G>A on the coding strand, the complement: SYT2 is on the minus strand). VCF-style: chr1-202603112-C-T. GRCh37 (hg19) VCF-style: chr1-202572240-C-T.
Other names: c.352G>A, p.Asp118Asn (NM_001136504.1); short protein forms D118N.
Identifiers: ClinVar variation 2723594 (VCV002723594.4), dbSNP rs1449043313, ClinGen allele CA344258976.
Genomic context (GRCh38, chr1:202,603,112, plus strand): 5'-CTGGCTCTTTCTCCTCCTCCCCTTCACCTTCCCCCTCAGTCAGGCCTGTCTCTGCGTCGT[C>T]GTCATCCTGTGGGAGCTGGGGGAGAGAGGGAACAAGTTAAAAGGGGAGGACCGAGAAGTC-3'
Protein context (NP_796376.2, residues 108-128): MKDMKGGQDD[Asp118Asn]DAETGLTEGE

ClinVar aggregate classification (germline): Uncertain significance. Review status: criteria provided, multiple submitters, no conflicts (2 of 4 stars). 2 submissions from 2 submitters: Uncertain significance (2). Last evaluated 2025-10-18.

Conditions:
Inborn genetic diseases. Identifiers: MedGen C0950123, MeSH D030342.

Allele frequency attached by ClinVar (database versions not stated): gnomAD exomes 0.00002; TOPMed 0.00002; gnomAD 0.00001.
gnomAD v4.1: 31 of 1,613,718 alleles (0.0019%); highest among the groups gnomAD compares: Non-Finnish European, 0.0025%; no homozygotes.

Submissions (2):

Ambry Genetics
Classification: Uncertain significance for Inborn genetic diseases. Last evaluated: 2025-10-18. Review status: criteria provided, single submitter. Criteria: Ambry Variant Classification Scheme 2023. Collection method: clinical testing. Allele origin: germline.

Labcorp Genetics (formerly Invitae), Labcorp
Classification: Uncertain significance. Last evaluated: 2025-06-04. Review status: criteria provided, single submitter. Criteria: Invitae Variant Classification Sherloc (09022015). Collection method: clinical testing. Allele origin: germline.
Comment: This sequence change replaces aspartic acid, which is acidic and polar, with asparagine, which is neutral and polar, at codon 118 of the SYT2 protein (p.Asp118Asn). This variant is present in population databases (no rsID available, gnomAD 0.002%). This variant has not been reported in the literature in individuals affected with SYT2-related conditions. ClinVar contains an entry for this variant (Variation ID: 2723594). Invitae Evidence Modeling of protein sequence and biophysical properties (such as structural, functional, and spatial information, amino acid conservation, physicochemical variation, residue mobility, and thermodynamic stability) indicates that this missense variant is not expected to disrupt SYT2 protein function with a negative predictive value of 80%. In summary, the available evidence is currently insufficient to determine the role of this variant in disease. Therefore, it has been classified as a Variant of Uncertain Significance.